The following is an entry in ClinVar:

NM_145068.4(TRPV3):c.*2604G>A

Genes: SPATA22 (spermatogenesis associated 22; minus strand), TRPV3 (transient receptor potential cation channel subfamily V member 3; minus strand). Cytogenetic location: 17p13.2.
Variant type: single nucleotide variant.
Coding change: c.*2604G>A on transcript NM_145068.4 (MANE Select); 2604 bases downstream of the stop codon, G replaced by A.
Molecular consequence: 3 prime UTR variant. On other transcripts: intron variant (2).
Genome position (GRCh38, 1-based): chr17:3,511,313, C>T on the plus strand (G>A on the coding strand, the complement: TRPV3 is on the minus strand). VCF-style: chr17-3511313-C-T. GRCh37 (hg19) VCF-style: chr17-3414607-C-T.
Other names: c.*2604G>A (NM_001258205.2); c.-74+2099G>A (NM_001321336.2, NM_001321337.2).
Identifiers: ClinVar variation 890880 (VCV000890880.6), dbSNP rs571747640, ClinGen allele CA286987306.

ClinVar aggregate classification (germline): Benign (1 of 4 stars; one submission).

Conditions:
Isolated focal non-epidermolytic palmoplantar keratoderma. Also called: Palmoplantar keratoderma, nonepidermolytic, focal 2. Identifiers: Orphanet 448264, MedGen C4225339, MONDO:0014622, OMIM 616400.

Allele frequency attached by ClinVar (database versions not stated): gnomAD 0.00001 and 0.00022; TOPMed 0.00003; 1000 Genomes Project 30x 0.00187; 1000 Genomes Project 0.00200.

Submission:

Illumina Laboratory Services, Illumina
Classification: Benign for Isolated focal non-epidermolytic palmoplantar keratoderma. Last evaluated: 2018-01-13. Review status: criteria provided, single submitter. Criteria: ICSL Variant Classification Criteria 13 December 2019. Collection method: clinical testing. Allele origin: germline.
Comment: This variant was observed in the ICSL laboratory as part of a predisposition screen in an ostensibly healthy population. It had not been previously curated by ICSL or reported in the Human Gene Mutation Database (HGMD: prior to June 1st, 2018), and was therefore a candidate for classification through an automated scoring system. Utilizing variant allele frequency, disease prevalence and penetrance estimates, and inheritance mode, an automated score was calculated to assess if this variant is too frequent to cause the disease. Based on the score and internal cut-off values, a variant classified as benign is not then subjected to further curation. The score for this variant resulted in a classification of benign for this disease.